The following is an entry in ClinVar:

ClinVar aggregate classification (germline): Likely pathogenic (1 of 4 stars; one submission).

Allele frequency attached by ClinVar (database versions not stated): ExAC 0.00001; ESP Exome Variant Server 0.00008.
gnomAD v4.1: 1 of 1,613,976 alleles (0.000062%); highest among the groups gnomAD compares: Non-Finnish European, 0.000085%; no homozygotes.

Submission:

Labcorp Genetics (formerly Invitae), Labcorp
Classification: Likely pathogenic. Last evaluated: 2022-04-14. Review status: criteria provided, single submitter. Criteria: Invitae Variant Classification Sherloc (09022015). Collection method: clinical testing. Allele origin: germline.
Comment: In summary, the currently available evidence indicates that the variant is pathogenic, but additional data are needed to prove that conclusively. Therefore, this variant has been classified as Likely Pathogenic. Algorithms developed to predict the effect of sequence changes on RNA splicing suggest that this variant may disrupt the consensus splice site. Algorithms developed to predict the effect of missense changes on protein structure and function are either unavailable or do not agree on the potential impact of this missense change (SIFT: "Deleterious"; PolyPhen-2: "Probably Damaging"; Align-GVGD: "Class C0"). This missense change has been observed in individual(s) with cystinuria (PMID: 11157794, 16225397, 23532419). This variant is present in population databases (rs142270619, gnomAD 0.0009%). This sequence change replaces serine, which is neutral and polar, with arginine, which is basic and polar, at codon 379 of the SLC7A9 protein (p.Ser379Arg).

Literature cited by the submitters: PubMed 11157794; PubMed 16225397; PubMed 23532419.

NM_014270.5(SLC7A9):c.1137C>G (p.Ser379Arg)

Gene: SLC7A9 (solute carrier family 7 member 9; minus strand). Cytogenetic location: 19q13.11.
Variant type: single nucleotide variant.
Coding change: c.1137C>G on transcript NM_014270.5 (MANE Select); coding-DNA position 1137, C replaced by G.
Protein change: p.Ser379Arg; replaces serine 379 with arginine.
Molecular consequence: missense variant.
Genome position (GRCh38, 1-based): chr19:32,842,255, G>C on the plus strand (C>G on the coding strand, the complement: SLC7A9 is on the minus strand). VCF-style: chr19-32842255-G-C. GRCh37 (hg19) VCF-style: chr19-33333161-G-C.
Other names: c.1137C>G, p.Ser379Arg (NM_001126335.2, NM_001243036.2); short protein forms S379R.
Identifiers: ClinVar variation 2138268 (VCV002138268.4), dbSNP rs142270619, ClinGen allele CA9358488.